The following is an entry in ClinVar:

NM_080680.3(COL11A2):c.4544C>T (p.Ser1515Leu)

Gene: COL11A2 (collagen type XI alpha 2 chain; minus strand). Cytogenetic location: 6p21.32.
Variant type: single nucleotide variant.
Coding change: c.4544C>T on transcript NM_080680.3 (MANE Select); coding-DNA position 4544, C replaced by T.
Protein change: p.Ser1515Leu; replaces serine 1515 with leucine.
Molecular consequence: missense variant.
Genome position (GRCh38, 1-based): chr6:33,165,755, G>A on the plus strand (C>T on the coding strand, the complement: COL11A2 is on the minus strand). VCF-style: chr6-33165755-G-A. GRCh37 (hg19) VCF-style: chr6-33133532-G-A.
Other names: c.4223C>T, p.Ser1408Leu (NM_080679.3); c.4286C>T, p.Ser1429Leu (NM_080681.3); short protein forms S1408L, S1429L, S1515L.
Identifiers: ClinVar variation 1223118 (VCV001223118.11), dbSNP rs764154647, ClinGen allele CA3750052.

ClinVar aggregate classification (germline): Conflicting classifications of pathogenicity. Review status: criteria provided, conflicting classifications (1 of 4 stars). 3 submissions from 3 submitters: Uncertain significance (2); Likely benign (1). Last evaluated 2025-12-28.

Conditions:
COL11A2-related disorder. Also called: COL11A2-related condition; COL11A2-related disorders.

Allele frequency attached by ClinVar (database versions not stated): gnomAD 0.00002; gnomAD exomes 0.00002; TOPMed 0.00002; ExAC 0.00005.

Submissions (3):

Labcorp Genetics (formerly Invitae), Labcorp
Classification: Likely benign. Last evaluated: 2025-12-28. Review status: criteria provided, single submitter. Criteria: Invitae Variant Classification Sherloc (09022015). Collection method: clinical testing. Allele origin: germline.

PreventionGenetics, part of Exact Sciences
Classification: Uncertain significance for COL11A2-related condition. Last evaluated: 2025-07-23. Review status: criteria provided, single submitter. Criteria: ACMG Guidelines, 2015. Collection method: clinical testing. Allele origin: germline.
Comment: The COL11A2 c.4544C>T variant is predicted to result in the amino acid substitution p.Ser1515Leu. This variant has been reported in an individual with unclassified form of syndromic joint hypermobility (patient P-0087, supplement, Leone et al. 2023. PubMed ID: 37079061). This variant is reported in 0.025% of alleles in individuals of East Asian descent in gnomAD. At this time, the clinical significance of this variant is uncertain due to the absence of conclusive functional and genetic evidence.

GeneDx
Classification: Uncertain significance. Last evaluated: 2024-02-09. Review status: criteria provided, single submitter. Criteria: GeneDx Variant Classification Process June 2021. Collection method: clinical testing. Allele origin: germline. Affected: yes.
Comment: Reported in a patient with joint hypermobility in published literature (PMID: 37079061); In silico analysis supports that this missense variant has a deleterious effect on protein structure/function; This variant is associated with the following publications: (PMID: 37079061)